The following is an entry in ClinVar:

ClinVar aggregate classification (germline): Uncertain significance. Review status: criteria provided, multiple submitters, no conflicts (2 of 4 stars). 3 submissions from 3 submitters: Uncertain significance (2). 1 of the submissions does not count toward it. Last evaluated 2022-09-07.

Conditions:
Junctional epidermolysis bullosa. Identifiers: Orphanet 305, MedGen C0079301, MONDO:0017612.

Allele frequency attached by ClinVar (database versions not stated): ExAC 0.00002; gnomAD 0.00003 and 0.00004; TOPMed 0.00004.
gnomAD v4.1: 34 of 1,613,988 alleles (0.0021%); highest among the groups gnomAD compares: Admixed American, 0.018%; no homozygotes.

Submissions (3):

Labcorp Genetics (formerly Invitae), Labcorp
Classification: Uncertain significance. Last evaluated: 2022-09-07. Review status: criteria provided, single submitter. Criteria: Invitae Variant Classification Sherloc (09022015). Collection method: clinical testing. Allele origin: germline.
Comment: This sequence change replaces alanine, which is neutral and non-polar, with valine, which is neutral and non-polar, at codon 305 of the LAMB3 protein (p.Ala305Val). This variant is present in population databases (rs756331697, gnomAD 0.006%). This variant has not been reported in the literature in individuals affected with LAMB3-related conditions. ClinVar contains an entry for this variant (Variation ID: 875198). Algorithms developed to predict the effect of missense changes on protein structure and function (SIFT, PolyPhen-2, Align-GVGD) all suggest that this variant is likely to be disruptive. In summary, the available evidence is currently insufficient to determine the role of this variant in disease. Therefore, it has been classified as a Variant of Uncertain Significance.

Illumina Laboratory Services, Illumina
Classification: Uncertain significance for Junctional epidermolysis bullosa. Last evaluated: 2017-04-28. Review status: criteria provided, single submitter. Criteria: ICSL Variant Classification Criteria 13 December 2019. Collection method: clinical testing. Allele origin: germline.

Department of Pathology and Laboratory Medicine, Sinai Health System
Classification: Uncertain significance. Review status: no assertion criteria provided. Collection method: clinical testing. Allele origin: unknown. Affected: yes. Study: The Canadian Open Genetics Repository (COGR). Not counted in ClinVar's aggregate classification.
Comment: The LAMB3 p.Ala305Val variant was not identified in the literature nor was it identified in ClinVar. The variant was identified in dbSNP (ID: rs756331697) and in control databases in 6 of 251418 chromosomes at a frequency of 0.00002386 (Genome Aggregation Database March 6, 2019, v2.1.1). The variant was observed in the following populations: South Asian in 2 of 30616 chromosomes (freq: 0.000065), Latino in 1 of 34582 chromosomes (freq: 0.000029) and European (non-Finnish) in 3 of 113718 chromosomes (freq: 0.000026), but was not observed in the African, Ashkenazi Jewish, East Asian, European (Finnish), or Other populations. The p.Ala305 residue is conserved in mammals and computational analyses (PolyPhen-2, SIFT, AlignGVGD, BLOSUM, MutationTaster) provide inconsistent predictions regarding the impact to the protein; this information is not very predictive of pathogenicity. The variant occurs outside of the splicing consensus sequence and in silico or computational prediction software programs (SpliceSiteFinder, MaxEntScan, NNSPLICE, GeneSplicer) do not predict a difference in splicing. In summary, based on the above information the clinical significance of this variant cannot be determined with certainty at this time. This variant is classified as a variant of uncertain significance.

NM_000228.3(LAMB3):c.914C>T (p.Ala305Val)

Gene: LAMB3 (laminin subunit beta 3; minus strand). Cytogenetic location: 1q32.2.
Variant type: single nucleotide variant.
Coding change: c.914C>T on transcript NM_000228.3 (MANE Select); coding-DNA position 914, C replaced by T.
Protein change: p.Ala305Val; replaces alanine 305 with valine.
Molecular consequence: missense variant.
Genome position (GRCh38, 1-based): chr1:209,630,644, G>A on the plus strand (C>T on the coding strand, the complement: LAMB3 is on the minus strand). VCF-style: chr1-209630644-G-A. GRCh37 (hg19) VCF-style: chr1-209803989-G-A.
Other names: c.914C>T, p.Ala305Val (NM_001017402.2, NM_001127641.1); short protein forms A305V.
Identifiers: ClinVar variation 875198 (VCV000875198.6), dbSNP rs756331697, ClinGen allele CA1375786.
Genomic context (GRCh38, chr1:209,630,644, plus strand): 5'-CTACAGGGGAGGGGTGATCCAAAGCTCCTACTTTGGCATTCATGGGCGTCCTGGCCCTCC[G>A]CCGGTCTCCAGGGCCGGTTGTTGTAGAAGGGTGCACAGCGCTCACAATTTGGGCCGGCAG-3'
Protein context (NP_000219.2, residues 295-315): PFYNNRPWRP[Ala305Val]EGQDAHECQR